The following is an entry in ClinVar:

ClinVar aggregate classification (germline): Uncertain significance (0 of 4 stars; one submission).

Conditions:
SEMA3F-related disorder. Also called: SEMA3F-related condition.

Submission:

PreventionGenetics, part of Exact Sciences
Classification: Uncertain significance for SEMA3F-related condition. Last evaluated: 2024-07-10. Review status: no assertion criteria provided. Collection method: clinical testing. Allele origin: germline.
Comment: The SEMA3F c.890G>T variant is predicted to result in the amino acid substitution p.Gly297Val. To our knowledge, this variant has not been reported in the literature or in a large population database, indicating this variant is rare. At this time, the clinical significance of this variant is uncertain due to the absence of conclusive functional and genetic evidence.

NM_004186.5(SEMA3F):c.890G>T (p.Gly297Val)

Gene: SEMA3F (semaphorin 3F; plus strand). Cytogenetic location: 3p21.31.
Variant type: single nucleotide variant.
Coding change: c.890G>T on transcript NM_004186.5 (MANE Select); coding-DNA position 890, G replaced by T.
Protein change: p.Gly297Val; replaces glycine 297 with valine.
Molecular consequence: missense variant.
Genome position (GRCh38, 1-based): chr3:50,182,770, G>T. VCF-style: chr3-50182770-G-T. GRCh37 (hg19) VCF-style: chr3-50220203-G-T.
Other names: c.593G>T, p.Gly198Val (NM_001318798.2); c.797G>T, p.Gly266Val (NM_001318800.2); short protein forms G198V, G266V, G297V.
Identifiers: ClinVar variation 3345442 (VCV003345442.1).
Genomic context (GRCh38, chr3:50,182,770, plus strand): 5'-TCTTCTTCCGTGAGCGGTCGGCAGAGGCGCCGCAGAGCCCCGCGGTGTACGCCCGCATCG[G>T]GCGCATTTGCCTGGTATGCATTGGCAGAGCCACCAGGCTGCCCCTTCCACCAGTTCTGGC-3'
Protein context (NP_004177.3, residues 287-307): PQSPAVYARI[Gly297Val]RICLNDDGGH